The following is an entry in ClinVar:

ClinVar aggregate classification (germline): Uncertain significance (1 of 4 stars; one submission).

Submission:

CeGaT Center for Human Genetics Tuebingen
Classification: Uncertain significance. Last evaluated: 2025-08-01. Review status: criteria provided, single submitter. Criteria: CeGaT Center For Human Genetics Tuebingen Variant Classification Criteria Version 2. Collection method: clinical testing. Allele origin: germline. Affected: yes. Observed: 1 variant allele.
Comment: ATP2B3: PM2, PP3

NM_001001344.3(ATP2B3):c.3349G>A (p.Val1117Met)

Gene: ATP2B3 (ATPase plasma membrane Ca2+ transporting 3; plus strand). Cytogenetic location: Xq28.
Variant type: single nucleotide variant.
Coding change: c.3349G>A on transcript NM_001001344.3 (MANE Select); coding-DNA position 3349, G replaced by A.
Protein change: p.Val1117Met; replaces valine 1117 with methionine.
Molecular consequence: missense variant.
Genome position (GRCh38, 1-based): chrX:153,579,984, G>A. VCF-style: chrX-153579984-G-A. GRCh37 (hg19) VCF-style: chrX-152845442-G-A.
Other names: c.3503G>A, p.Gly1168Asp (NM_001388360.1, NM_021949.4); c.3349G>A, p.Val1117Met (NM_001388361.1); short protein forms G1168D, V1117M.
Identifiers: ClinVar variation 4085667 (VCV004085667.8).